The following is an entry in ClinVar:

ClinVar aggregate classification (germline): Pathogenic (1 of 4 stars; one submission).

Allele frequency attached by ClinVar (database versions not stated): gnomAD exomes below 0.00001.
gnomAD v4.1: 2 of 1,588,188 alleles (0.00013%); highest among the groups gnomAD compares: Non-Finnish European, 0.00017%; no homozygotes.

Submission:

Labcorp Genetics (formerly Invitae), Labcorp
Classification: Pathogenic. Last evaluated: 2024-01-17. Review status: criteria provided, single submitter. Criteria: Invitae Variant Classification Sherloc (09022015). Collection method: clinical testing. Allele origin: germline.
Comment: This sequence change replaces cysteine, which is neutral and slightly polar, with tyrosine, which is neutral and polar, at codon 68 of the GPIHBP1 protein (p.Cys68Tyr). This variant is not present in population databases (gnomAD no frequency). This missense change has been observed in individuals with chylomicronemia (PMID: 21314738, 22008945, 24793350, 30150141). An algorithm developed to predict the effect of missense changes on protein structure and function (PolyPhen-2) suggests that this variant is likely to be disruptive. Experimental studies have shown that this missense change affects GPIHBP1 function (PMID: 25387803). For these reasons, this variant has been classified as Pathogenic.

Literature cited by the submitters: PubMed 21314738; PubMed 22008945; PubMed 24793350; PubMed 30150141; PubMed 25387803.

NM_178172.6(GPIHBP1):c.203G>A (p.Cys68Tyr)

Gene: GPIHBP1 (glycosylphosphatidylinositol anchored high density lipoprotein binding protein 1; plus strand). Cytogenetic location: 8q24.3.
Variant type: single nucleotide variant.
Coding change: c.203G>A on transcript NM_178172.6 (MANE Select); coding-DNA position 203, G replaced by A.
Protein change: p.Cys68Tyr; replaces cysteine 68 with tyrosine.
Molecular consequence: missense variant.
Genome position (GRCh38, 1-based): chr8:143,215,034, G>A. VCF-style: chr8-143215034-G-A. GRCh37 (hg19) VCF-style: chr8-144296909-G-A.
Other names: c.203G>A, p.Cys68Tyr (NM_001301772.2); short protein forms C68Y.
Identifiers: ClinVar variation 2735230 (VCV002735230.3), dbSNP rs1014854435, ClinGen allele CA372401983.